The following is an entry in ClinVar:

NM_020975.6(RET):c.2715C>A (p.Tyr905Ter)

Gene: RET (ret proto-oncogene; plus strand). Cytogenetic location: 10q11.21.
Variant type: single nucleotide variant.
Coding change: c.2715C>A on transcript NM_020975.6 (MANE Select); coding-DNA position 2715, C replaced by A.
Protein change: p.Tyr905Ter; replaces tyrosine 905 with a stop codon.
Molecular consequence: nonsense.
Genome position (GRCh38, 1-based): chr10:43,120,188, C>A. VCF-style: chr10-43120188-C-A. GRCh37 (hg19) VCF-style: chr10-43615636-C-A.
Other names: c.1953C>A, p.Tyr651Ter (NM_001355216.2); c.2715C>A, p.Tyr905Ter (NM_001406743.1, NM_001406744.1, NM_001406759.1 and 2 more transcripts); c.2277C>A, p.Tyr759Ter (NM_001406771.1, NM_001406773.1); c.2319C>A, p.Tyr773Ter (NM_001406772.1, NM_001406769.1); c.2190C>A, p.Tyr730Ter (NM_001406774.1); c.1989C>A, p.Tyr663Ter (NM_001406775.1, NM_001406776.1, NM_001406777.1 and 1 more transcripts); c.1818C>A, p.Tyr606Ter (NM_001406779.1, NM_001406780.1, NM_001406781.1 and 1 more transcripts); c.1530C>A, p.Tyr510Ter (NM_001406790.1, NM_001406788.1, NM_001406789.1); and 10 more; short protein forms Y561*, Y606*, Y773*, Y809*, Y860*, Y422*, Y510*, Y563*.
Identifiers: ClinVar variation 3652177 (VCV003652177.2).

ClinVar aggregate classification (germline): Pathogenic (1 of 4 stars; one submission).

Conditions:
Multiple endocrine neoplasia, type 2 (MEN2). Identifiers: Orphanet 653, MedGen C4048306, MONDO:0019003. Disease mechanism: gain of function.

Submission:

Labcorp Genetics (formerly Invitae), Labcorp
Classification: Pathogenic for Multiple endocrine neoplasia, type 2. Last evaluated: 2024-05-05. Review status: criteria provided, single submitter. Criteria: Invitae Variant Classification Sherloc (09022015). Collection method: clinical testing. Allele origin: germline.
Comment: This sequence change creates a premature translational stop signal (p.Tyr905*) in the RET gene. It is expected to result in an absent or disrupted protein product. Loss-of-function variants in RET are known to be pathogenic (PMID: 22174939, 22648184). This variant is not present in population databases (gnomAD no frequency). This variant has not been reported in the literature in individuals affected with RET-related conditions. For these reasons, this variant has been classified as Pathogenic.

Literature cited by the submitters: PubMed 22174939; PubMed 22648184.